The following is an entry in ClinVar:

ClinVar aggregate classification (germline): Uncertain significance (1 of 4 stars; one submission).

Allele frequency attached by ClinVar (database versions not stated): gnomAD exomes 0.00001.
gnomAD v4.1: 6 of 1,211,310 alleles (0.0005%); highest among the groups gnomAD compares: Non-Finnish European, 0.00067%; no homozygotes.

Submission:

Labcorp Genetics (formerly Invitae), Labcorp
Classification: Uncertain significance. Last evaluated: 2025-08-17. Review status: criteria provided, single submitter. Criteria: Invitae Variant Classification Sherloc (09022015). Collection method: clinical testing. Allele origin: germline.
Comment: This sequence change replaces aspartic acid, which is acidic and polar, with tyrosine, which is neutral and polar, at codon 690 of the FRMD7 protein (p.Asp690Tyr). This variant is not present in population databases (gnomAD no frequency). This variant has not been reported in the literature in individuals affected with FRMD7-related conditions. ClinVar contains an entry for this variant (Variation ID: 1473530). An algorithm developed to predict the effect of missense changes on protein structure and function (PolyPhen-2) suggests that this variant is likely to be disruptive. In summary, the available evidence is currently insufficient to determine the role of this variant in disease. Therefore, it has been classified as a Variant of Uncertain Significance.

NM_194277.3(FRMD7):c.2068G>T (p.Asp690Tyr)

Gene: FRMD7 (FERM domain containing 7; minus strand). Cytogenetic location: Xq26.2.
Variant type: single nucleotide variant.
Coding change: c.2068G>T on transcript NM_194277.3 (MANE Select); coding-DNA position 2068, G replaced by T.
Protein change: p.Asp690Tyr; replaces aspartic acid 690 with tyrosine.
Molecular consequence: missense variant.
Genome position (GRCh38, 1-based): chrX:132,077,949, C>A on the plus strand (G>T on the coding strand, the complement: FRMD7 is on the minus strand). VCF-style: chrX-132077949-C-A. GRCh37 (hg19) VCF-style: chrX-131211977-C-A.
Other names: c.2023G>T, p.Asp675Tyr (NM_001306193.2); short protein forms D690Y, D675Y.
Identifiers: ClinVar variation 1473530 (VCV001473530.6), dbSNP rs2124206290, ClinGen allele CA414677678.